The following is an entry in ClinVar:

ClinVar aggregate classification (germline): Uncertain significance (1 of 4 stars; one submission).

Conditions:
Hereditary cancer-predisposing syndrome. Also called: Hereditary neoplastic syndrome; Hereditary Cancer Syndrome; Neoplastic Syndromes, Hereditary; Tumor predisposition. Identifiers: Orphanet 140162, MedGen C0027672, MeSH D009386, MONDO:0015356.

Submission:

Ambry Genetics
Classification: Uncertain significance for Hereditary cancer-predisposing syndrome. Last evaluated: 2023-05-02. Review status: criteria provided, single submitter. Criteria: Ambry Variant Classification Scheme 2023. Collection method: clinical testing. Allele origin: germline.
Comment: The p.S1128Y variant (also known as c.3383C>A), located in coding exon 15 of the APC gene, results from a C to A substitution at nucleotide position 3383. The serine at codon 1128 is replaced by tyrosine, an amino acid with dissimilar properties. This amino acid position is conserved. In addition, in silico predictors for this gene do not accurately predict pathogenicity. Since supporting evidence is limited at this time, the clinical significance of this alteration remains unclear.

NM_000038.6(APC):c.3383C>A (p.Ser1128Tyr)

Gene: APC (APC regulator of Wnt signaling pathway; plus strand). Cytogenetic location: 5q22.2.
Variant type: single nucleotide variant.
Coding change: c.3383C>A on transcript NM_000038.6 (MANE Select); coding-DNA position 3383, C replaced by A.
Protein change: p.Ser1128Tyr; replaces serine 1128 with tyrosine.
Molecular consequence: missense variant. On other transcripts: non-coding transcript variant (2).
Genome position (GRCh38, 1-based): chr5:112,838,977, C>A. VCF-style: chr5-112838977-C-A. GRCh37 (hg19) VCF-style: chr5-112174674-C-A.
Other names: c.3383C>A, p.Ser1128Tyr (NM_001127510.3, NM_001354895.2, NM_001407450.1); c.3329C>A, p.Ser1110Tyr (NM_001127511.3); c.3437C>A, p.Ser1146Tyr (NM_001354896.2, NM_001407447.1, NM_001407448.1 and 1 more transcripts); c.3413C>A, p.Ser1138Tyr (NM_001354897.2); c.3308C>A, p.Ser1103Tyr (NM_001354898.2); c.3299C>A, p.Ser1100Tyr (NM_001354899.2); c.3260C>A, p.Ser1087Tyr (NM_001354900.2); c.3206C>A, p.Ser1069Tyr (NM_001354901.2, NM_001407453.1); and 11 more; short protein forms S1069Y, S1002Y, S1100Y, S744Y, S968Y, S1037Y, S1045Y, S1103Y.
Identifiers: ClinVar variation 2567009 (VCV002567009.2), dbSNP rs755586334, ClinGen allele CA16028746.